The following is an entry in ClinVar:

ClinVar aggregate classification (germline): Likely pathogenic (1 of 4 stars; one submission).

Conditions:
Renal hypomagnesemia 5 with ocular involvement. Also called: FHHNC WITH SEVERE OCULAR INVOLVEMENT; HYPOMAGNESEMIA, FAMILIAL, WITH HYPERCALCIURIA, NEPHROCALCINOSIS, AND SEVERE OCULAR INVOLVEMENT; MACULAR COLOBOMA, BILATERAL, WITH HYPERCALCIURIA; HYPOMAGNESEMIA 5, RENAL, WITH OR WITHOUT OCULAR INVOLVEMENT. Identifiers: Orphanet 2196, MedGen C4721891, MONDO:0009548, OMIM 248190.

Submission:

Department of Pediatric Nephrology, Wuhan Children's Hospital
Classification: Likely pathogenic for Renal hypomagnesemia 5 with ocular involvement. Last evaluated: 2023-11-30. Review status: criteria provided, single submitter. Criteria: ACMG Guidelines, 2015. Collection method: clinical testing. Allele origin: germline. Inheritance: Autosomal recessive inheritance. Affected: yes. Observed: 1 compound heterozygote.
Comment: The other mutation is the previously reported c.223G>A (PubMed: 31479589). Additionally, the deletion of the G nucleotide at c.220 will result in a frameshift and premature termination of translation.

Literature cited by the submitters: PubMed 31479589.

NM_148960.3(CLDN19):c.220del (p.Asp74fs)

Gene: CLDN19 (claudin 19; minus strand). Cytogenetic location: 1p34.2.
Variant type: Deletion.
Coding change: c.220del on transcript NM_148960.3 (MANE Select); coding-DNA position 220, one base deleted (G; older notation c.220delG).
Protein change: p.Asp74fs; shifts the reading frame from aspartic acid 74.
Molecular consequence: frameshift variant.
Genome position (GRCh38, 1-based): chr1:42,739,844, C deleted on the plus strand (G on the coding strand, the reverse complement: CLDN19 is on the minus strand); the first of 2 consecutive C bases (chr1:42,739,844-42,739,845); deleting either gives the same sequence. VCF-style (leftmost placement, unchanged base first): chr1-42739843-TC-T. GRCh37 (hg19) VCF-style: chr1-43205514-TC-T.
Other names: c.220delG (NM_148960.3); c.220del, p.Asp74fs (NM_001123395.2, NM_001185117.2); short protein forms D74fs.
Identifiers: ClinVar variation 4294299 (VCV004294299.1).